The following is an entry in ClinVar:

ClinVar aggregate classification (germline): Pathogenic/Likely pathogenic. Review status: criteria provided, multiple submitters, no conflicts (2 of 4 stars). 2 submissions from 2 submitters: Pathogenic (1); Likely pathogenic (1). Last evaluated 2023-10-18.

Conditions:
Hereditary cancer-predisposing syndrome. Also called: Neoplastic Syndromes, Hereditary; Tumor predisposition; Hereditary Cancer Syndrome; Hereditary neoplastic syndrome. Identifiers: Orphanet 140162, MedGen C0027672, MeSH D009386, MONDO:0015356.
Ataxia-telangiectasia-like disorder 1 (ATLD1). Identifiers: Orphanet 251347, MedGen C4012790, MONDO:0024557, OMIM 604391.

Submissions (2):

Baylor Genetics
Classification: Likely pathogenic for Ataxia-telangiectasia-like disorder 1. Last evaluated: 2023-10-18. Review status: criteria provided, single submitter. Criteria: ACMG Guidelines, 2015. Collection method: clinical testing. Allele origin: unknown.

Ambry Genetics
Classification: Pathogenic for Hereditary cancer-predisposing syndrome. Last evaluated: 2018-08-14. Review status: criteria provided, single submitter. Criteria: Ambry Variant Classification Scheme 2023. Collection method: clinical testing. Allele origin: germline.
Comment: The p.R628* pathogenic mutation (also known as c.1882A>T), located in coding exon 16 of the MRE11A gene, results from an A to T substitution at nucleotide position 1882. This changes the amino acid from an arginine to a stop codon within coding exon 16. This alteration is expected to result in loss of function by premature protein truncation or nonsense-mediated mRNA decay. As such, this alteration is interpreted as a disease-causing mutation.

NM_005591.4(MRE11):c.1882A>T (p.Arg628Ter)

Gene: MRE11 (MRE11 double strand break repair nuclease; minus strand). Cytogenetic location: 11q21.
Variant type: single nucleotide variant.
Coding change: c.1882A>T on transcript NM_005591.4 (MANE Select); coding-DNA position 1882, A replaced by T.
Protein change: p.Arg628Ter; replaces arginine 628 with a stop codon.
Molecular consequence: nonsense.
Genome position (GRCh38, 1-based): chr11:94,437,221, T>A on the plus strand (A>T on the coding strand, the complement: MRE11 is on the minus strand). VCF-style: chr11-94437221-T-A. GRCh37 (hg19) VCF-style: chr11-94170387-T-A.
Other names: c.1879A>T, p.Arg627Ter (NM_001330347.2); c.1798A>T, p.Arg600Ter (NM_005590.4); short protein forms R600*, R627*, R628*.
Identifiers: ClinVar variation 820248 (VCV000820248.5), dbSNP rs1411087205, ClinGen allele CA382374858.